The following is an entry in ClinVar:

NM_212482.4(FN1):c.5209G>C (p.Asp1737His)

Gene: FN1 (fibronectin 1; minus strand). Cytogenetic location: 2q35.
Variant type: single nucleotide variant.
Coding change: c.5209G>C on transcript NM_212482.4 (MANE Select); coding-DNA position 5209, G replaced by C.
Protein change: p.Asp1737His; replaces aspartic acid 1737 with histidine.
Molecular consequence: missense variant. On other transcripts: intron variant (10).
Genome position (GRCh38, 1-based): chr2:215,381,036, C>G on the plus strand (G>C on the coding strand, the complement: FN1 is on the minus strand). VCF-style: chr2-215381036-C-G. GRCh37 (hg19) VCF-style: chr2-216245759-C-G.
Other names: c.5209G>C, p.Asp1737His (NM_001306129.2); c.4936G>C, p.Asp1646His (NM_001365518.2, NM_001365520.2, NM_001365524.2 and 2 more transcripts); c.4891+1176G>C (NM_212474.3, NM_001306132.2, NM_001365523.2 and 2 more transcripts); c.5164+1176G>C (NM_001306130.2, NM_001365522.2, NM_001365519.2 and 2 more transcripts); short protein forms D1646H, D1737H.
Identifiers: ClinVar variation 4692567 (VCV004692567.1).

ClinVar aggregate classification (germline): Uncertain significance (1 of 4 stars; one submission).

gnomAD v4.1: 1 of 1,614,036 alleles (0.000062%); highest among the groups gnomAD compares: African/African-American, 0.0013%; no homozygotes.

Submission:

Labcorp Genetics (formerly Invitae), Labcorp
Classification: Uncertain significance. Last evaluated: 2025-05-11. Review status: criteria provided, single submitter. Criteria: Invitae Variant Classification Sherloc (09022015). Collection method: clinical testing. Allele origin: germline.
Comment: This sequence change replaces aspartic acid, which is acidic and polar, with histidine, which is basic and polar, at codon 1737 of the FN1 protein (p.Asp1737His). This variant is not present in population databases (gnomAD no frequency). This variant has not been reported in the literature in individuals affected with FN1-related conditions. An algorithm developed to predict the effect of missense changes on protein structure and function (PolyPhen-2) suggests that this variant is likely to be disruptive. In summary, the available evidence is currently insufficient to determine the role of this variant in disease. Therefore, it has been classified as a Variant of Uncertain Significance.